The following is an entry in ClinVar:

ClinVar aggregate classification (germline): Uncertain significance (1 of 4 stars; one submission).

gnomAD v4.1: 4 of 1,551,952 alleles (0.00026%); highest among the groups gnomAD compares: South Asian, 0.0012%; no homozygotes.

Submission:

Labcorp Genetics (formerly Invitae), Labcorp
Classification: Uncertain significance. Last evaluated: 2025-08-11. Review status: criteria provided, single submitter. Criteria: Invitae Variant Classification Sherloc (09022015). Collection method: clinical testing. Allele origin: germline.
Comment: This sequence change creates a premature translational stop signal (p.Cys805*) in the WDR87 gene. It is expected to result in an absent or disrupted protein product. However, the current clinical and genetic evidence is not sufficient to establish whether loss-of-function variants in WDR87 cause disease. This variant is present in population databases (no rsID available, gnomAD 0.005%). This variant has not been reported in the literature in individuals affected with WDR87-related conditions. ClinVar contains an entry for this variant (Variation ID: 3606915). In summary, the available evidence is currently insufficient to determine the role of this variant in disease. Therefore, it has been classified as a Variant of Uncertain Significance.

NM_001291088.2(WDR87):c.2532C>A (p.Cys844Ter)

Gene: WDR87 (WD repeat domain 87; minus strand). Cytogenetic location: 19q13.13.
Variant type: single nucleotide variant.
Coding change: c.2532C>A on transcript NM_001291088.2 (MANE Select); coding-DNA position 2532, C replaced by A.
Protein change: p.Cys844Ter; replaces cysteine 844 with a stop codon.
Molecular consequence: nonsense.
Genome position (GRCh38, 1-based): chr19:37,893,171, G>T on the plus strand (C>A on the coding strand, the complement: WDR87 is on the minus strand). VCF-style: chr19-37893171-G-T. GRCh37 (hg19) VCF-style: chr19-38383811-G-T.
Other names: c.2415C>A, p.Cys805Ter (NM_031951.5); short protein forms C805*, C844*.
Identifiers: ClinVar variation 3606915 (VCV003606915.2).
Genomic context (GRCh38, chr19:37,893,171, plus strand): 5'-CCAGAAAAAGAATTCTTGAGACCTGTCCCATTCCAGCTCCCGCTGGGGTGCATGCAGGTT[G>T]CACTGTAGGTATATTGGGGTGCCCTCTGGCCAAAGACGGGCACGAATCACTGAATTGGGG-3'